The following is an entry in ClinVar:

ClinVar aggregate classification (germline): Likely benign (0 of 4 stars; one submission).

Conditions:
PLXNB1-related disorder. Also called: PLXNB1-related condition.

Allele frequency attached by ClinVar (database versions not stated): gnomAD exomes 0.00031; ExAC 0.00086; gnomAD 0.00206; TOPMed 0.00228; ESP Exome Variant Server 0.00254; 1000 Genomes Project 0.00399; 1000 Genomes Project 30x 0.00406.

Submission:

PreventionGenetics, part of Exact Sciences
Classification: Likely benign for PLXNB1-related condition. Last evaluated: 2019-04-26. Review status: no assertion criteria provided. Collection method: clinical testing. Allele origin: germline.
Comment: This variant is classified as likely benign based on ACMG/AMP sequence variant interpretation guidelines (Richards et al. 2015 PMID: 25741868, with internal and published modifications).

NM_001130082.3(PLXNB1):c.1521-7C>T

Gene: PLXNB1 (plexin B1; minus strand). Cytogenetic location: 3p21.31.
Variant type: single nucleotide variant.
Coding change: c.1521-7C>T on transcript NM_001130082.3 (MANE Select); 7 bases into the intron before coding-DNA position 1521, C replaced by T.
Molecular consequence: intron variant.
Genome position (GRCh38, 1-based): chr3:48,421,813, G>A on the plus strand (C>T on the coding strand, the complement: PLXNB1 is on the minus strand). VCF-style: chr3-48421813-G-A. GRCh37 (hg19) VCF-style: chr3-48463222-G-A.
Other names: c.1521-7C>T (NM_002673.6).
Identifiers: ClinVar variation 3042439 (VCV003042439.2), dbSNP rs116459211, ClinGen allele CA2375087.